The following is an entry in ClinVar:

ClinVar aggregate classification (germline): Uncertain significance. Review status: criteria provided, multiple submitters, no conflicts (2 of 4 stars). 2 submissions from 2 submitters: Uncertain significance (2). Last evaluated 2025-03-25.

Allele frequency attached by ClinVar (database versions not stated): ExAC 0.00004.
gnomAD v4.1: 57 of 1,613,622 alleles (0.0035%); highest among the groups gnomAD compares: Admixed American, 0.017%; no homozygotes.

Submissions (2):

Labcorp Genetics (formerly Invitae), Labcorp
Classification: Uncertain significance. Last evaluated: 2025-03-25. Review status: criteria provided, single submitter. Criteria: Invitae Variant Classification Sherloc (09022015). Collection method: clinical testing. Allele origin: germline.
Comment: This sequence change replaces arginine, which is basic and polar, with cysteine, which is neutral and slightly polar, at codon 699 of the KANK2 protein (p.Arg699Cys). This variant is present in population databases (rs143339573, gnomAD 0.03%). This variant has not been reported in the literature in individuals affected with KANK2-related conditions. ClinVar contains an entry for this variant (Variation ID: 2059326). An algorithm developed to predict the effect of missense changes on protein structure and function (PolyPhen-2) suggests that this variant is likely to be disruptive. In summary, the available evidence is currently insufficient to determine the role of this variant in disease. Therefore, it has been classified as a Variant of Uncertain Significance.

Ambry Genetics
Classification: Uncertain significance. Last evaluated: 2023-12-13. Review status: criteria provided, single submitter. Criteria: Ambry Variant Classification Scheme 2023. Collection method: clinical testing. Allele origin: germline.

NM_001136191.3(KANK2):c.2095C>T (p.Arg699Cys)

Gene: KANK2 (KN motif and ankyrin repeat domains 2; minus strand). Cytogenetic location: 19p13.2.
Variant type: single nucleotide variant.
Coding change: c.2095C>T on transcript NM_001136191.3 (MANE Select); coding-DNA position 2095, C replaced by T.
Protein change: p.Arg699Cys; replaces arginine 699 with cysteine.
Molecular consequence: missense variant.
Genome position (GRCh38, 1-based): chr19:11,173,097, G>A on the plus strand (C>T on the coding strand, the complement: KANK2 is on the minus strand). VCF-style: chr19-11173097-G-A. GRCh37 (hg19) VCF-style: chr19-11283773-G-A.
Other names: c.2095C>T, p.Arg699Cys (NM_001329451.2, NM_001379555.1, NM_001379556.1 and 7 more transcripts); c.2119C>T, p.Arg707Cys (NM_001379548.1, NM_001379549.1, NM_001379550.1 and 5 more transcripts); c.2119C>T (NM_015493.6); short protein forms R699C, R707C.
Identifiers: ClinVar variation 2059326 (VCV002059326.5), dbSNP rs143339573, ClinGen allele CA9205377.